The following is an entry in ClinVar:

ClinVar aggregate classification (germline): Uncertain significance (1 of 4 stars; one submission).

Conditions:
Encephalopathy, acute, infection-induced (herpes-specific), susceptibility to, 1. Also called: Herpes simplex encephalitis, susceptibility to, 1. Identifiers: Orphanet 1930, MedGen C2750180, MONDO:0024563, OMIM 610551.

Submission:

Labcorp Genetics (formerly Invitae), Labcorp
Classification: Uncertain significance for Encephalopathy, acute, infection-induced (herpes-specific), susceptibility to, 1. Last evaluated: 2024-02-24. Review status: criteria provided, single submitter. Criteria: Invitae Variant Classification Sherloc (09022015). Collection method: clinical testing. Allele origin: germline.
Comment: This sequence change creates a premature translational stop signal (p.Gln167*) in the TLR3 gene. It is expected to result in an absent or disrupted protein product. However, the current clinical and genetic evidence is not sufficient to establish whether loss-of-function variants in TLR3 cause disease. This variant is not present in population databases (gnomAD no frequency). This variant has not been reported in the literature in individuals affected with TLR3-related conditions. ClinVar contains an entry for this variant (Variation ID: 953591). In summary, the available evidence is currently insufficient to determine the role of this variant in disease. Therefore, it has been classified as a Variant of Uncertain Significance.

NM_003265.3(TLR3):c.499C>T (p.Gln167Ter)

Gene: TLR3 (toll like receptor 3; plus strand). Cytogenetic location: 4q35.1.
Variant type: single nucleotide variant.
Coding change: c.499C>T on transcript NM_003265.3 (MANE Select); coding-DNA position 499, C replaced by T.
Protein change: p.Gln167Ter; replaces glutamine 167 with a stop codon.
Molecular consequence: nonsense.
Genome position (GRCh38, 1-based): chr4:186,078,897, C>T. VCF-style: chr4-186078897-C-T. GRCh37 (hg19) VCF-style: chr4-187000051-C-T.
Other names: short protein forms Q167*.
Identifiers: ClinVar variation 953591 (VCV000953591.8), dbSNP rs2099302923, ClinGen allele CA359108190.